The following is an entry in ClinVar:

NM_004329.3(BMPR1A):c.1242C>T (p.Asp414=)

Gene: BMPR1A (bone morphogenetic protein receptor type 1A; plus strand). Cytogenetic location: 10q23.2.
Variant type: single nucleotide variant.
Coding change: c.1242C>T on transcript NM_004329.3 (MANE Select); coding-DNA position 1242, C replaced by T.
Protein change: p.Asp414=; no amino-acid change (aspartic acid 414 retained).
Molecular consequence: synonymous variant.
Genome position (GRCh38, 1-based): chr10:86,921,595, C>T. VCF-style: chr10-86921595-C-T. GRCh37 (hg19) VCF-style: chr10-88681352-C-T.
Identifiers: ClinVar variation 385659 (VCV000385659.18), dbSNP rs767296986, ClinGen allele CA16606720.
Genomic context (GRCh38, chr10:86,921,595, plus strand): 5'-TGATGTGCCCTTGAATACCAGGGTGGGCACCAAACGCTACATGGCTCCCGAAGTGCTGGA[C>T]GAAAGCCTGAACAAAAACCACTTCCAGCCCTACATCATGGCTGACATCTACAGCTTCGGC-3'
Protein context (NP_004320.2, residues 404-424): TKRYMAPEVL[Asp414=]ESLNKNHFQP

ClinVar aggregate classification (germline): Benign/Likely benign. Review status: criteria provided, multiple submitters, no conflicts (2 of 4 stars). 5 submissions from 5 submitters: Benign (1); Likely benign (4). Last evaluated 2024-12-14.

Conditions:
Juvenile polyposis syndrome (JPS). Identifiers: Orphanet 2929, MedGen C0345893, MONDO:0017380, OMIM 174900.
Hereditary cancer-predisposing syndrome. Also called: Neoplastic Syndromes, Hereditary; Hereditary neoplastic syndrome; Tumor predisposition; Hereditary Cancer Syndrome. Identifiers: Orphanet 140162, MedGen C0027672, MeSH D009386, MONDO:0015356.

Allele frequency attached by ClinVar (database versions not stated): TOPMed below 0.00001; gnomAD 0.00001 and 0.00002; gnomAD exomes 0.00001.
gnomAD v4.1: 14 of 1,614,034 alleles (0.00087%); highest among the groups gnomAD compares: African/African-American, 0.0027%; no homozygotes.

Submissions (5):

Labcorp Genetics (formerly Invitae), Labcorp
Classification: Likely benign for Juvenile polyposis syndrome. Last evaluated: 2024-12-14. Review status: criteria provided, single submitter. Criteria: Invitae Variant Classification Sherloc (09022015). Collection method: clinical testing. Allele origin: germline.

Myriad Genetics, Inc.
Classification: Benign for Juvenile polyposis syndrome. Last evaluated: 2024-08-07. Review status: criteria provided, single submitter. Criteria: Myriad Autosomal Dominant, Autosomal Recessive and X-Linked Classification Criteria (2023). Collection method: clinical testing. Allele origin: unknown.
Comment: This variant is considered benign. This variant is a silent/synonymous amino acid change and it is not expected to impact splicing.

Color Diagnostics, LLC DBA Color Health
Classification: Likely benign for Hereditary cancer-predisposing syndrome. Last evaluated: 2017-10-05. Review status: criteria provided, single submitter. Criteria: ACMG Guidelines, 2015. Collection method: clinical testing. Allele origin: germline.

GeneDx
Classification: Likely benign. Last evaluated: 2016-04-18. Review status: criteria provided, single submitter. Criteria: GeneDx Variant Classification (06012015). Collection method: clinical testing. Allele origin: germline. Affected: yes.
Comment: This variant is considered likely benign or benign based on one or more of the following criteria: it is a conservative change, it occurs at a poorly conserved position in the protein, it is predicted to be benign by multiple in silico algorithms, and/or has population frequency not consistent with disease.

Ambry Genetics
Classification: Likely benign for Hereditary cancer-predisposing syndrome. Last evaluated: 2015-05-06. Review status: criteria provided, single submitter. Criteria: Ambry Variant Classification Scheme 2023. Collection method: clinical testing. Allele origin: germline.